The following is an entry in ClinVar:

ClinVar aggregate classification (germline): Likely pathogenic. Review status: criteria provided, multiple submitters, no conflicts (2 of 4 stars). 2 submissions from 2 submitters: Likely pathogenic (2). Last evaluated 2025-08-11.

Conditions:
Ataxia-telangiectasia syndrome (AT). Also called: Cerebello-oculocutaneous telangiectasia; Immunodeficiency with ataxia telangiectasia; Ataxia-telangiectasia, complementation group E; LOUIS-BAR SYNDROME; Ataxia telangiectasia (A-T); AT, COMPLEMENTATION GROUP C. Identifiers: Orphanet 100, MedGen C0004135, MONDO:0008840, OMIM 208900.
Hereditary cancer-predisposing syndrome. Also called: Hereditary Cancer Syndrome; Hereditary neoplastic syndrome; Neoplastic Syndromes, Hereditary; Tumor predisposition. Identifiers: Orphanet 140162, MedGen C0027672, MeSH D009386, MONDO:0015356.

Submissions (2):

Labcorp Genetics (formerly Invitae), Labcorp
Classification: Likely pathogenic for Ataxia-telangiectasia syndrome. Last evaluated: 2025-08-11. Review status: criteria provided, single submitter. Criteria: Invitae Variant Classification Sherloc (09022015). Collection method: clinical testing. Allele origin: germline.
Comment: This sequence change falls in intron 21 of the ATM gene. It does not directly change the encoded amino acid sequence of the ATM protein. RNA analysis indicates that this variant induces altered splicing and may result in an absent or altered protein product. This variant is not present in population databases (gnomAD no frequency). This variant has not been reported in the literature in individuals affected with ATM-related conditions. ClinVar contains an entry for this variant (Variation ID: 2695436). Variants that disrupt the consensus splice site are a relatively common cause of aberrant splicing (PMID: 17576681, 9536098). Studies have shown that this variant results in skipping of exon 21, and produces a non-functional protein and/or introduces a premature termination codon (internal data). In summary, the currently available evidence indicates that the variant is pathogenic, but additional data are needed to prove that conclusively. Therefore, this variant has been classified as Likely Pathogenic.

Ambry Genetics
Classification: Likely pathogenic for Hereditary cancer-predisposing syndrome. Last evaluated: 2024-12-04. Review status: criteria provided, single submitter. Criteria: Ambry Variant Classification Scheme 2023. Collection method: clinical testing. Allele origin: germline.
Comment: The c.3153+5G>T intronic variant results from a G to T substitution 5 nucleotides after coding exon 20 in the ATM gene. This nucleotide position is highly conserved in available vertebrate species. In silico splice site analysis predicts that this alteration will weaken the native splice donor site. RNA studies have demonstrated that this alteration results in abnormal splicing in the set of samples tested (Ambry internal data). This variant is considered to be rare based on population cohorts in the Genome Aggregation Database (gnomAD). Based on the majority of available evidence to date, this variant is likely to be pathogenic.

Literature cited by the submitters: PubMed 17576681 (cited by Labcorp Genetics (formerly Invitae), Labcorp); PubMed 9536098 (cited by Labcorp Genetics (formerly Invitae), Labcorp).

NM_000051.4(ATM):c.3153+5G>T

Gene: ATM (ATM serine/threonine kinase; plus strand). Cytogenetic location: 11q22.3.
Variant type: single nucleotide variant.
Coding change: c.3153+5G>T on transcript NM_000051.4 (MANE Select); 5 bases into the intron after coding-DNA position 3153, G replaced by T.
Molecular consequence: intron variant.
Genome position (GRCh38, 1-based): chr11:108,272,612, G>T. VCF-style: chr11-108272612-G-T. GRCh37 (hg19) VCF-style: chr11-108143339-G-T.
Other names: c.3153+5G>T (NM_001351834.2, NM_000051.3).
Identifiers: ClinVar variation 2695436 (VCV002695436.4), dbSNP rs1591608756, ClinGen allele CA2697558826.
Genomic context (GRCh38, chr11:108,272,612, plus strand): 5'-AATATATATTCTCTGTAAGAATGGCCCTAGTAAATTGCCTTAAAACTTTGCTTGAGGTGA[G>T]TTTTTGCATTTTTTTAGTAAGATCTCCATTGAAAATTTTAAAGCAGTCTTTGTTTGTTAA-3'